The following is an entry in ClinVar:

ClinVar aggregate classification (germline): Pathogenic (1 of 4 stars; one submission).

Submission:

Labcorp Genetics (formerly Invitae), Labcorp
Classification: Pathogenic. Last evaluated: 2020-07-23. Review status: criteria provided, single submitter. Criteria: Invitae Variant Classification Sherloc (09022015). Collection method: clinical testing. Allele origin: germline.
Comment: For these reasons, this variant has been classified as Pathogenic. Loss-of-function variants in USH2A are known to be pathogenic (PMID: 10729113, 10909849, 20507924, 25649381). This variant has been observed in individual(s) with Usher syndrome (PMID: 17085681). This variant is not present in population databases (ExAC no frequency). This sequence change creates a premature translational stop signal (p.Thr2812Metfs*17) in the USH2A gene. It is expected to result in an absent or disrupted protein product.

Literature cited by the submitters: PubMed 10729113; PubMed 10909849; PubMed 20507924; PubMed 25649381; PubMed 17085681.

NM_206933.4(USH2A):c.8435_8438del (p.Thr2812fs)

Gene: USH2A (usherin; minus strand). Cytogenetic location: 1q41.
Variant type: Microsatellite.
Coding change: c.8435_8438del on transcript NM_206933.4 (MANE Select); coding-DNA positions 8435 to 8438, 4 bases deleted (CCTA; older notation c.8435_8438delCCTA).
Protein change: p.Thr2812fs; shifts the reading frame from threonine 2812.
Molecular consequence: frameshift variant.
Genome position (GRCh38, 1-based): chr1:215,878,884-215,878,887, TAGG deleted on the plus strand (CCTA on the coding strand, the reverse complement: USH2A is on the minus strand); deleting any 4 consecutive bases within chr1:215,878,884-215,878,893 gives the same sequence; the c. name uses the placement nearest the transcript's 3' end. VCF-style (leftmost placement, unchanged base first): chr1-215878883-ATAGG-A. GRCh37 (hg19) VCF-style: chr1-216052225-ATAGG-A.
Other names: short protein forms T2812fs.
Identifiers: ClinVar variation 1075538 (VCV001075538.9), dbSNP rs1664838877, ClinGen allele CA1220461641.
Genomic context (GRCh38, chr1:215,878,883, plus strand): 5'-ACTTAGTGGAATCACAGACAATGGGCCAACATTCTGAGGTACGGTGGGGTGAGTGGTAAC[ATAGG>A]TAGGTAAACTCTCTGTGCACCCTCCAAGGTACCCATTACCCCCTGAGCAAGCAACAATGG-3'